The following is an entry in ClinVar:

ClinVar aggregate classification (germline): Pathogenic/Likely pathogenic. Review status: criteria provided, multiple submitters, no conflicts (2 of 4 stars). 2 submissions from 2 submitters: Pathogenic (1); Likely pathogenic (1). Last evaluated 2025-08-18.

Conditions:
Pick disease. Also called: Pick Disease of the Brain; PICK DISEASE OF BRAIN; DEMENTIA WITH LOBAR ATROPHY AND NEURONAL CYTOPLASMIC INCLUSIONS; LOBAR ATROPHY OF BRAIN; Pick's disease. Identifiers: Orphanet 282, MedGen C0236642, MONDO:0008243, OMIM 172700.
Acne inversa, familial, 3 (ACNINV3). Identifiers: MedGen C3151038, MONDO:0013398, OMIM 613737.
Frontotemporal dementia (FTD1). Also called: Frontotemporal lobe dementia (FLDEM); Frontotemporal Dementia with Parkinsonism-17 (FTDP-17); FRONTOTEMPORAL LOBAR DEGENERATION WITH TAU INCLUSIONS; FTLD WITH TAU INCLUSIONS; FRONTOTEMPORAL DEMENTIA WITH PARKINSONISM; FRONTOTEMPORAL LOBE DEMENTIA. Identifiers: Orphanet 282, MedGen C0338451, MONDO:0017276, OMIM 600274, HP:0002145.
Alzheimer disease 3 (AD3). Also called: ALZHEIMER DISEASE, FAMILIAL, 3. Identifiers: Orphanet 1020, MedGen C1843013, MONDO:0011913, OMIM 607822.

gnomAD v4.1: 1 of 1,606,682 alleles (0.000062%); highest among the groups gnomAD compares: Non-Finnish European, 0.000085%; no homozygotes.

Submissions (2):

Labcorp Genetics (formerly Invitae), Labcorp
Classification: Pathogenic for Alzheimer disease 3; Pick disease; Acne inversa, familial, 3; Frontotemporal dementia. Last evaluated: 2025-08-18. Review status: criteria provided, single submitter. Criteria: Invitae Variant Classification Sherloc (09022015). Collection method: clinical testing. Allele origin: germline.
Comment: This sequence change replaces leucine, which is neutral and non-polar, with valine, which is neutral and non-polar, at codon 262 of the PSEN1 protein (p.Leu262Val). This variant is not present in population databases (gnomAD no frequency). This missense change has been observed in individuals with Alzheimer's disease and/or frontotemporal dementia (PMID: 22475797, 22503161). Invitae Evidence Modeling of protein sequence and biophysical properties (such as structural, functional, and spatial information, amino acid conservation, physicochemical variation, residue mobility, and thermodynamic stability) indicates that this missense variant is expected to disrupt PSEN1 protein function with a positive predictive value of 95%. This variant disrupts the p.Leu262 amino acid residue in PSEN1. Other variant(s) that disrupt this residue have been determined to be pathogenic (PMID: 9347932, 35650585). This suggests that this residue is clinically significant, and that variants that disrupt this residue are likely to be disease-causing. For these reasons, this variant has been classified as Pathogenic.

Institute of Human Genetics Munich, TUM University Hospital
Classification: Likely pathogenic for Alzheimer disease 3. Last evaluated: 2024-01-11. Review status: criteria provided, single submitter. Criteria: Classification criteria August 2017. Collection method: clinical testing. Allele origin: germline. Inheritance: Autosomal dominant inheritance. Affected: yes. Observed: 1 variant allele.

Literature cited by the submitters: PubMed 22475797 (cited by Labcorp Genetics (formerly Invitae), Labcorp); PubMed 22503161 (cited by Labcorp Genetics (formerly Invitae), Labcorp); PubMed 9347932 (cited by Labcorp Genetics (formerly Invitae), Labcorp); PubMed 35650585 (cited by Labcorp Genetics (formerly Invitae), Labcorp).

NM_000021.4(PSEN1):c.784T>G (p.Leu262Val)

Gene: PSEN1 (presenilin 1; plus strand). Cytogenetic location: 14q24.2.
Variant type: single nucleotide variant.
Coding change: c.784T>G on transcript NM_000021.4 (MANE Select); coding-DNA position 784, T replaced by G.
Protein change: p.Leu262Val; replaces leucine 262 with valine.
Molecular consequence: missense variant.
Genome position (GRCh38, 1-based): chr14:73,198,045, T>G. VCF-style: chr14-73198045-T-G. GRCh37 (hg19) VCF-style: chr14-73664753-T-G.
Other names: c.772T>G, p.Leu258Val (NM_007318.3); short protein forms L258V, L262V.
Identifiers: ClinVar variation 4071989 (VCV004071989.6).